The following is an entry in ClinVar:

NM_002900.3(RBP3):c.2T>C (p.Met1Thr)

Gene: RBP3 (retinol binding protein 3; plus strand). Cytogenetic location: 10q11.22.
Variant type: single nucleotide variant.
Coding change: c.2T>C on transcript NM_002900.3 (MANE Select); coding-DNA position 2, T replaced by C.
Protein change: p.Met1Thr; changes the start codon (methionine 1).
Molecular consequence: missense variant, initiator codon variant.
Genome position (GRCh38, 1-based): chr10:47,348,486, T>C. VCF-style: chr10-47348486-T-C. GRCh37 (hg19) VCF-style: chr10-48390876-A-G.
Other names: short protein forms M1T.
Identifiers: ClinVar variation 2043856 (VCV002043856.6), dbSNP rs2549027322, ClinGen allele CA376663713.
Genomic context (GRCh38, chr10:47,348,486, plus strand): 5'-GGCCTTGCACACAGTCCAGGGAGCTTTTGTGCAGGAGCCAGGCCTCCCCCTGGGTCCCCA[T>C]GATGAGAGAATGGGTTCTGCTCATGTCCGTGCTGCTCTGTGGCCTGGCTGGCCCCACACA-3'
Protein context (NP_002891.1, residues 1-11): [Met1Thr]MREWVLLMSV

ClinVar aggregate classification (germline): Uncertain significance. Review status: criteria provided, multiple submitters, no conflicts (2 of 4 stars). 2 submissions from 2 submitters: Uncertain significance (2). Last evaluated 2021-12-15.

Submissions (2):

Labcorp Genetics (formerly Invitae), Labcorp
Classification: Uncertain significance. Last evaluated: 2021-12-15. Review status: criteria provided, single submitter. Criteria: Invitae Variant Classification Sherloc (09022015). Collection method: clinical testing. Allele origin: germline.
Comment: This variant is not present in population databases (gnomAD no frequency). In summary, the available evidence is currently insufficient to determine the role of this variant in disease. Therefore, it has been classified as a Variant of Uncertain Significance. Experimental studies and prediction algorithms are not available or were not evaluated, and the functional significance of this variant is currently unknown. This variant has not been reported in the literature in individuals affected with RBP3-related conditions. This sequence change affects the initiator methionine of the RBP3 mRNA. The next in-frame methionine is located at codon 2.

Blueprint Genetics
Classification: Uncertain significance. Last evaluated: 2020-12-29. Review status: criteria provided, single submitter. Criteria: ACMG Guidelines, 2015. Collection method: clinical testing. Allele origin: germline.